The following is an entry in ClinVar:

NM_025137.4(SPG11):c.808G>A (p.Val270Ile)

Gene: SPG11 (SPG11 vesicle trafficking associated, spatacsin; minus strand). Cytogenetic location: 15q21.1.
Variant type: single nucleotide variant.
Coding change: c.808G>A on transcript NM_025137.4 (MANE Select); coding-DNA position 808, G replaced by A.
Protein change: p.Val270Ile; replaces valine 270 with isoleucine.
Molecular consequence: missense variant.
Genome position (GRCh38, 1-based): chr15:44,657,156, C>T on the plus strand (G>A on the coding strand, the complement: SPG11 is on the minus strand). VCF-style: chr15-44657156-C-T. GRCh37 (hg19) VCF-style: chr15-44949354-C-T.
Other names: p.Val270Ile; c.808G>A, p.Val270Ile (NM_001160227.2); short protein forms V270I.
Identifiers: ClinVar variation 41366 (VCV000041366.75), dbSNP rs80338868, ClinGen allele CA344397.

ClinVar aggregate classification (germline): Benign/Likely benign. Review status: criteria provided, multiple submitters, no conflicts (2 of 4 stars). 20 submissions from 17 submitters: Benign (8); Likely benign (8). 4 of the submissions do not count toward it. Last evaluated 2026-10-01.

Conditions:
Amyotrophic lateral sclerosis type 5 (ALS5). Also called: AMYOTROPHIC LATERAL SCLEROSIS 5, JUVENILE. Identifiers: Orphanet 300605, MedGen C1865864, MONDO:0011196, OMIM 602099.
Charcot-Marie-Tooth disease axonal type 2X. Also called: CHARCOT-MARIE-TOOTH DISEASE, AXONAL, AUTOSOMAL RECESSIVE, TYPE 2X; CHARCOT-MARIE-TOOTH NEUROPATHY, TYPE 2X. Identifiers: Orphanet 466775, MedGen C5569024, MONDO:0014726, OMIM 616668.
Inborn genetic diseases. Identifiers: MedGen C0950123, MeSH D030342.
Hereditary spastic paraplegia. Also called: Familial spastic paraparesis. Identifiers: Orphanet 685, MedGen C0037773, MONDO:0019064. Disease mechanism: loss of function.
Neurofibromatosis, type 1 (NF1). Also called: Neurofibromatosis, type I; VON RECKLINGHAUSEN DISEASE; NEUROFIBROMATOSIS, TYPE I, SOMATIC; Peripheral type neurofibromatosis. Identifiers: Orphanet 636, MedGen C0027831, MONDO:0018975, OMIM 162200. Disease mechanism: loss of function.
Hereditary spastic paraplegia 11. Also called: Spastic Paraplegia 11; Spastic paraplegia, mental retardation and thin corpus callosum; Nakamura Osame syndrome; Autosomal recessive hereditary spastic paraplegia, mental impairment, and thin corpus callosum; SPASTIC PARAPLEGIA, AUTOSOMAL RECESSIVE, COMPLICATED, WITH THIN CORPUS CALLOSUM; SPASTIC PARAPLEGIA, AUTOSOMAL RECESSIVE, WITH MENTAL IMPAIRMENT AND THIN CORPUS CALLOSUM. Identifiers: Orphanet 2822, MedGen C1858479, MONDO:0011445, OMIM 604360.

Allele frequency attached by ClinVar (database versions not stated): TOPMed 0.00750; gnomAD 0.00799 and 0.00845; 1000 Genomes Project 0.00319; 1000 Genomes Project 30x 0.00375; gnomAD exomes 0.00608 and 0.00831; ExAC 0.00609; ESP Exome Variant Server 0.01016.
gnomAD v4.1: 13,265 of 1,614,162 alleles (0.82%); highest among the groups gnomAD compares: Non-Finnish European, 0.95%; 68 homozygotes.

Submissions (20):

CeGaT Center for Human Genetics Tuebingen
Classification: Likely benign. Last evaluated: 2026-10-01. Review status: criteria provided, single submitter. Criteria: CeGaT Center For Human Genetics Tuebingen Variant Classification Criteria Version 2. Collection method: clinical testing. Allele origin: germline. Affected: yes. Observed: 80 variant alleles.
Comment: SPG11: BP4, BS2

Labcorp Genetics (formerly Invitae), Labcorp
Classification: Benign for Hereditary spastic paraplegia 11. Last evaluated: 2026-02-04. Review status: criteria provided, single submitter. Criteria: Invitae Variant Classification Sherloc (09022015). Collection method: clinical testing. Allele origin: germline.

Athena Diagnostics
Classification: Benign. Last evaluated: 2024-02-22. Review status: criteria provided, single submitter. Criteria: Athena Diagnostics Criteria. Collection method: clinical testing. Allele origin: unknown.

Women's Health and Genetics/Laboratory Corporation of America, LabCorp
Classification: Benign. Last evaluated: 2022-07-01. Review status: criteria provided, single submitter. Criteria: LabCorp Variant Classification Summary - May 2015. Collection method: clinical testing. Allele origin: germline.
Comment: Variant summary: SPG11 c.808G>A (p.Val270Ile) results in a conservative amino acid change in the encoded protein sequence. Three of five in-silico tools predict a benign effect of the variant on protein function. The variant allele was found at a frequency of 0.0062 in 282816 control chromosomes (gnomAD), including 6 homozygotes. The variant occurs predominantly at a frequency of 0.009 within the African or African-American subpopulation in the gnomAD database. The observed variant frequency within African or African-American control individuals in the gnomAD database is approximately 8-fold of the estimated maximal expected allele frequency for a pathogenic variant in SPG11 causing Hereditary Spastic Paraplegia, Type 11 (0.0011), strongly suggesting that the variant is a benign polymorphism found primarily in populations of African or African-American origin. c.808G>A has been reported in the literature in individuals affected with Hereditary Spastic Paraplegia, however it was considered likely to be a polymorphism as it was found at a slightly higher frequency in healthy controls (Stevanin_2008). To our knowledge, no experimental evidence demonstrating an impact on protein function has been reported. Eight assessments for this variant have been submitted to ClinVar after 2014 and all classified the variant as benign/likely benign. Based on the evidence outlined above, the variant was classified as benign.

Mayo Clinic Laboratories, Mayo Clinic
Classification: Benign. Last evaluated: 2021-08-02. Review status: criteria provided, single submitter. Criteria: ACMG Guidelines, 2015. Collection method: clinical testing. Allele origin: germline. Observed: 57 variant alleles.

Genome Diagnostics Laboratory, The Hospital for Sick Children
Classification: Benign for Hereditary spastic paraplegia. Last evaluated: 2021-04-19. Review status: criteria provided, single submitter. Criteria: ACMG Guidelines, 2015. Collection method: clinical testing. Allele origin: germline. Affected: yes.

Cambridge Genomics Laboratory, East Genomic Laboratory Hub, NHS Genomic Medicine Service
Classification: Benign for Neurofibromatosis, type 1. Last evaluated: 2020-04-29. Review status: criteria provided, single submitter. Criteria: ACGS Best Practice Guidelines for Variant Classification in Rare Disease 2020. Collection method: clinical testing. Allele origin: germline. Affected: yes. Observed: 1 variant allele.

GeneDx
Classification: Benign. Last evaluated: 2019-08-12. Review status: criteria provided, single submitter. Criteria: GeneDx Variant Classification Process June 2021. Collection method: clinical testing. Allele origin: germline. Affected: yes.
Comment: This variant is associated with the following publications: (PMID: 18079167, 25588603, 20301389)

Ambry Genetics
Classification: Likely benign for Inborn genetic diseases. Last evaluated: 2019-07-23. Review status: criteria provided, single submitter. Criteria: Ambry Variant Classification Scheme 2023. Collection method: clinical testing. Allele origin: germline.

Illumina Laboratory Services, Illumina
Classification: Likely benign for Hereditary spastic paraplegia 11. Last evaluated: 2017-06-16. Review status: criteria provided, single submitter. Criteria: ICSL Variant Classification Criteria 13 December 2019. Collection method: clinical testing. Allele origin: germline.
Comment: This variant was observed as part of a predisposition screen in an ostensibly healthy population. A literature search was performed for the gene, cDNA change, and amino acid change (where applicable). Publications were found based on this search. The evidence from the literature, in combination with allele frequency data from public databases where available, was sufficient to determine this variant is unlikely to cause disease. Therefore, this variant is classified as likely benign.

Eurofins Ntd Llc (ga)
Classification: Likely benign. Last evaluated: 2017-01-25. Review status: criteria provided, single submitter. Criteria: EGL Classification Definitions 2015. Collection method: clinical testing. Allele origin: germline. Observed: 1 variant allele, 1 heterozygote.

Genome Diagnostics Laboratory, University Medical Center Utrecht
Classification: Benign for Hereditary spastic paraplegia 11. Last evaluated: 2014-10-09. Review status: criteria provided, single submitter. Criteria: ACGS Guidelines, 2013. Collection method: clinical testing. Allele origin: germline. Affected: yes. Study: VKGL Data-share Consensus.

Breakthrough Genomics
Classification: Likely benign. Review status: criteria provided, single submitter. Criteria: ACMG Guidelines, 2015. Collection method: not provided. Allele origin: germline. Inheritance: Autosomal recessive inheritance. Affected: yes.

Genome-Nilou Lab
Classification: Likely benign for Amyotrophic lateral sclerosis type 5. Review status: criteria provided, single submitter. Criteria: ACMG Guidelines, 2015. Collection method: clinical testing. Allele origin: germline.

Genome-Nilou Lab
Classification: Likely benign for Charcot-Marie-Tooth disease axonal type 2X. Review status: criteria provided, single submitter. Criteria: ACMG Guidelines, 2015. Collection method: clinical testing. Allele origin: germline.

Genome-Nilou Lab
Classification: Likely benign for Hereditary spastic paraplegia 11. Review status: criteria provided, single submitter. Criteria: ACMG Guidelines, 2015. Collection method: clinical testing. Allele origin: germline.

Genome Diagnostics Laboratory, Amsterdam University Medical Center
Classification: Likely benign for Hereditary spastic paraplegia 11. Last evaluated: 2016-09-06. Review status: no assertion criteria provided. Criteria: ACGS Guidelines, 2013. Collection method: clinical testing. Allele origin: germline. Affected: yes. Study: VKGL Data-share Consensus. Not counted in ClinVar's aggregate classification.

Clinical Genetics, Academic Medical Center
Classification: Benign. Review status: no assertion criteria provided. Collection method: clinical testing. Allele origin: germline. Affected: yes. Study: VKGL Data-share Consensus. Not counted in ClinVar's aggregate classification.

Diagnostic Laboratory, Department of Genetics, University Medical Center Groningen
Classification: Likely benign for Hereditary spastic paraplegia 11. Review status: no assertion criteria provided. Collection method: clinical testing. Allele origin: germline. Affected: yes. Study: VKGL Data-share Consensus. Not counted in ClinVar's aggregate classification.

Genome Diagnostics Laboratory, Amsterdam University Medical Center
Classification: Benign. Review status: no assertion criteria provided. Collection method: clinical testing. Allele origin: germline. Affected: yes. Study: VKGL Data-share Consensus. Not counted in ClinVar's aggregate classification.

Literature cited by the submitters: PubMed 18079167 (cited by 3 submitters); PubMed 25588603 (cited by Athena Diagnostics and Illumina Laboratory Services, Illumina); PubMed 19105190 (cited by Illumina Laboratory Services, Illumina).